The following is an entry in ClinVar:

NM_000089.4(COL1A2):c.286A>G (p.Met96Val)

Gene: COL1A2 (collagen type I alpha 2 chain; plus strand). Cytogenetic location: 7q21.3.
Variant type: single nucleotide variant.
Coding change: c.286A>G on transcript NM_000089.4 (MANE Select); coding-DNA position 286, A replaced by G.
Protein change: p.Met96Val; replaces methionine 96 with valine.
Molecular consequence: missense variant.
Genome position (GRCh38, 1-based): chr7:94,404,562, A>G. VCF-style: chr7-94404562-A-G. GRCh37 (hg19) VCF-style: chr7-94033874-A-G.
Other names: short protein forms M96V.
Identifiers: ClinVar variation 423747 (VCV000423747.28), dbSNP rs763509640, ClinGen allele CA4346615.

ClinVar aggregate classification (germline): Uncertain significance. Review status: criteria provided, multiple submitters, no conflicts (2 of 4 stars). 8 submissions from 8 submitters: Uncertain significance (8). Last evaluated 2026-05-12.

Conditions:
COL1A2-related disorder. Also called: COL1A2-Related Disorders; COL1A2-related condition.
Osteoporosis. Identifiers: MedGen C0029456, MONDO:0005298, OMIM 166710, HP:0000939.
Osteogenesis imperfecta type III (OI3). Also called: Osteogenesis imperfecta type 3; OI type 3; Osteogenesis imperfecta, progressively deforming with normal sclerae; OI type III; Progressively Deforming Osteogenesis Imperfecta. Identifiers: Orphanet 216812, Orphanet 666, MedGen C0268362, MONDO:0009804, OMIM 259420.
Osteogenesis imperfecta, perinatal lethal (OI2). Also called: OSTEOGENESIS IMPERFECTA CONGENITA; VROLIK TYPE OF OSTEOGENESIS IMPERFECTA; OSTEOGENESIS IMPERFECTA, TYPE II; Osteogenesis imperfecta, dominant perinatal lethal; OI, TYPE II; Osteogenesis imperfecta type 2. Identifiers: Orphanet 216804, MedGen C0268358, MONDO:0008147, OMIM 166210.
Combined osteogenesis imperfecta and Ehlers-Danlos syndrome 2. Also called: OIEDS SYNDROME 2. Identifiers: MedGen C5436847, MONDO:0030855, OMIM 619120.
Ehlers-Danlos syndrome, arthrochalasia type, 2. Also called: EHLERS-DANLOS SYNDROME, TYPE VIIB, AUTOSOMAL DOMINANT. Identifiers: MedGen CN293783, MONDO:0040501, OMIM 617821.
Ehlers-Danlos syndrome, cardiac valvular type. Identifiers: Orphanet 230851, MedGen C4303789, MONDO:0009159, OMIM 225320.
Osteogenesis imperfecta with normal sclerae, dominant form (OI4). Also called: OSTEOGENESIS IMPERFECTA, TYPE IV, WITH DENTINOGENESIS IMPERFECTA; OSTEOGENESIS IMPERFECTA WITH NORMAL SCLERAE; Osteogenesis imperfecta type 4; Osteogenesis Imperfecta Type IV; Common Variable Osteogenesis Imperfecta with Normal Sclerae. Identifiers: Orphanet 216820, Orphanet 666, MedGen C0268363, MONDO:0008148, OMIM 166220.
Ehlers-Danlos syndrome, classic type, 1 (EDSCL1). Also called: Ehlers-Danlos Syndrome, Classic Type, COL5A1-Related; EHLERS-DANLOS SYNDROME, GRAVIS TYPE; EHLERS-DANLOS SYNDROME, SEVERE CLASSIC TYPE; EDS I; Ehlers-Danlos syndrome, type 1. Identifiers: MedGen C0268335, MONDO:0019567, OMIM 130000.
Osteogenesis imperfecta type I (OI1). Also called: OSTEOGENESIS IMPERFECTA TARDA; OSTEOGENESIS IMPERFECTA WITH BLUE SCLERAE; Osteogenesis imperfecta type 1; OI, TYPE I; Lobstein's Disease; Lobstein disease. Identifiers: Orphanet 216796, Orphanet 666, MedGen C0023931, MONDO:0008146, OMIM 166200. Disease mechanism: loss of function.
Connective tissue disorder. Also called: Connective tissue disease. Identifiers: MedGen C0009782, MONDO:0003900.
Cardiovascular phenotype. Identifiers: MedGen CN230736.

Allele frequency attached by ClinVar (database versions not stated): ExAC 0.00003; gnomAD exomes 0.00003 and 0.00004; TOPMed 0.00003; gnomAD 0.00004 and 0.00005.
gnomAD v4.1: 57 of 1,613,272 alleles (0.0035%); highest among the groups gnomAD compares: Non-Finnish European, 0.0044%; no homozygotes.

Submissions (8):

PreventionGenetics, part of Exact Sciences
Classification: Uncertain significance for COL1A2-related condition. Last evaluated: 2026-05-12. Review status: criteria provided, single submitter. Criteria: ACMG Guidelines, 2015. Collection method: clinical testing. Allele origin: germline.
Comment: The COL1A2 c.286A>G variant is predicted to result in the amino acid substitution p.Met96Val. To our knowledge, this variant has not been reported in the literature. This variant is reported in 0.0085% of alleles in individuals of European (Non-Finnish) descent in gnomAD. At this time, the clinical significance of this variant is uncertain due to the absence of conclusive functional and genetic evidence.

Women's Health and Genetics/Laboratory Corporation of America, LabCorp
Classification: Uncertain significance. Last evaluated: 2026-04-28. Review status: criteria provided, single submitter. Criteria: LabCorp Variant Classification Summary - May 2015. Collection method: clinical testing. Allele origin: germline.
Comment: Variant summary: COL1A2 c.286A>G (p.Met96Val) results in a conservative amino acid change located in the Collagen triple helix repeat domain (IPR008160) of the encoded protein sequence. Algorithms developed to predict the effect of missense changes on protein structure and function are either unavailable or do not agree on the potential impact of this missense change. The variant allele was found at a frequency of 4.4e-05 in 251446 control chromosomes. This frequency is not significantly higher than estimated for disease-causing variants in COL1A2, allowing no conclusion about variant significance. To our knowledge, no occurrence of c.286A>G in individuals affected with COL1A2-related conditions and no experimental evidence demonstrating its impact on protein function have been reported. ClinVar contains an entry for this variant (Variation ID: 423747). Based on the evidence outlined above, the variant was classified as uncertain significance.

Labcorp Genetics (formerly Invitae), Labcorp
Classification: Uncertain significance for Osteogenesis imperfecta type I; Ehlers-Danlos syndrome, classic type, 1. Last evaluated: 2025-12-17. Review status: criteria provided, single submitter. Criteria: Invitae Variant Classification Sherloc (09022015). Collection method: clinical testing. Allele origin: germline.
Comment: This sequence change replaces methionine, which is neutral and non-polar, with valine, which is neutral and non-polar, at codon 96 of the COL1A2 protein (p.Met96Val). This variant is present in population databases (rs763509640, gnomAD 0.008%). This variant has not been reported in the literature in individuals affected with COL1A2-related conditions. ClinVar contains an entry for this variant (Variation ID: 423747). Invitae Evidence Modeling of protein sequence and biophysical properties (such as structural, functional, and spatial information, amino acid conservation, physicochemical variation, residue mobility, and thermodynamic stability) indicates that this missense variant is not expected to disrupt COL1A2 protein function with a negative predictive value of 95%. In summary, the available evidence is currently insufficient to determine the role of this variant in disease. Therefore, it has been classified as a Variant of Uncertain Significance.

GeneDx
Classification: Uncertain significance. Last evaluated: 2025-04-22. Review status: criteria provided, single submitter. Criteria: GeneDx Variant Classification Process June 2021. Collection method: clinical testing. Allele origin: germline. Affected: yes.
Comment: Has not been previously published as pathogenic or benign to our knowledge; In silico analysis indicates that this missense variant does not alter protein structure/function; Occurs in the triple helical domain at the Y position in the canonical Gly-X-Y repeat; although this variant may have an effect on normal protein folding and function, missense substitution at the Y position is not a common mechanism of disease (HGMD)

Fulgent Genetics
Classification: Uncertain significance for Osteogenesis imperfecta, perinatal lethal; Osteogenesis imperfecta with normal sclerae, dominant form; Osteoporosis; Ehlers-Danlos syndrome, cardiac valvular type; Osteogenesis imperfecta type III; Ehlers-Danlos syndrome, arthrochalasia type, 2; Combined osteogenesis imperfecta and Ehlers-Danlos syndrome 2. Last evaluated: 2024-03-01. Review status: criteria provided, single submitter. Criteria: ACMG Guidelines, 2015. Collection method: clinical testing. Allele origin: germline.

Mayo Clinic Laboratories, Mayo Clinic
Classification: Uncertain significance. Last evaluated: 2022-06-15. Review status: criteria provided, single submitter. Criteria: ACMG Guidelines, 2015. Collection method: clinical testing. Allele origin: germline. Observed: 2 variant alleles.
Comment: BS1

Ambry Genetics
Classification: Uncertain significance for Cardiovascular phenotype. Last evaluated: 2022-02-16. Review status: criteria provided, single submitter. Criteria: Ambry Variant Classification Scheme 2023. Collection method: clinical testing. Allele origin: germline.
Comment: The p.M96V variant (also known as c.286A>G), located in coding exon 7 of the COL1A2 gene, results from an A to G substitution at nucleotide position 286. The methionine at codon 96 is replaced by valine, an amino acid with highly similar properties. This amino acid position is well conserved in available vertebrate species. In addition, the in silico prediction for this alteration is inconclusive. Since supporting evidence is limited at this time, the clinical significance of this alteration remains unclear.

Center for Human Genetics, Inc
Classification: Uncertain significance for Connective tissue disorder. Last evaluated: 2016-11-01. Review status: criteria provided, single submitter. Criteria: ACMG Guidelines, 2015. Collection method: clinical testing. Allele origin: germline. Affected: yes.